The following is an entry in ClinVar:

ClinVar aggregate classification (germline): Uncertain significance (1 of 4 stars; one submission).

gnomAD v4.1: 7 of 1,200,231 alleles (0.00058%); highest among the groups gnomAD compares: African/African-American, 0.012%; no homozygotes.

Submission:

GeneDx
Classification: Uncertain significance. Last evaluated: 2026-03-23. Review status: criteria provided, single submitter. Criteria: GeneDx Variant Classification Process June 2021. Collection method: clinical testing. Allele origin: germline.
Comment: Not observed at significant frequency in large population cohorts (gnomAD); In silico analysis suggests that this missense variant does not alter protein structure/function; Has not been previously published as pathogenic or benign to our knowledge

NM_001081550.2(THOC2):c.1630C>G (p.Gln544Glu)

Gene: THOC2 (THO complex subunit 2; minus strand). Cytogenetic location: Xq25.
Variant type: single nucleotide variant.
Coding change: c.1630C>G on transcript NM_001081550.2 (MANE Select); coding-DNA position 1630, C replaced by G.
Protein change: p.Gln544Glu; replaces glutamine 544 with glutamic acid.
Molecular consequence: missense variant.
Genome position (GRCh38, 1-based): chrX:123,644,606, G>C on the plus strand (C>G on the coding strand, the complement: THOC2 is on the minus strand). VCF-style: chrX-123644606-G-C. GRCh37 (hg19) VCF-style: chrX-122778457-G-C.
Other names: short protein forms Q544E.
Identifiers: ClinVar variation 3359532 (VCV003359532.2).